The following is an entry in ClinVar:

ClinVar aggregate classification (germline): Uncertain significance. Review status: criteria provided, multiple submitters, no conflicts (2 of 4 stars). 2 submissions from 2 submitters: Uncertain significance (2). Last evaluated 2026-08-15.

Conditions:
Inborn genetic diseases. Identifiers: MedGen C0950123, MeSH D030342.

gnomAD v4.1: 2 of 1,612,050 alleles (0.00012%); highest among the groups gnomAD compares: South Asian, 0.0022%; no homozygotes.

Submissions (2):

Ambry Genetics
Classification: Uncertain significance for Inborn genetic diseases. Last evaluated: 2026-08-15. Review status: criteria provided, single submitter. Criteria: Ambry Variant Classification Scheme 2023. Collection method: clinical testing. Allele origin: germline.
Comment: The p.K1234R variant (also known as c.3701A>G), located in coding exon 25 of the ANKRD26 gene, results from an A to G substitution at nucleotide position 3701. The lysine at codon 1234 is replaced by arginine, an amino acid with highly similar properties. This amino acid position is conserved. In addition, this alteration is predicted to be tolerated by in silico analysis. Based on the available evidence, the clinical significance of this variant remains unclear.

Labcorp Genetics (formerly Invitae), Labcorp
Classification: Uncertain significance. Last evaluated: 2024-11-30. Review status: criteria provided, single submitter. Criteria: Invitae Variant Classification Sherloc (09022015). Collection method: clinical testing. Allele origin: germline.
Comment: This sequence change replaces lysine, which is basic and polar, with arginine, which is basic and polar, at codon 1234 of the ANKRD26 protein (p.Lys1234Arg). This variant is present in population databases (rs750770123, gnomAD 0.006%). This variant has not been reported in the literature in individuals affected with ANKRD26-related conditions. An algorithm developed to predict the effect of missense changes on protein structure and function (PolyPhen-2) suggests that this variant is likely to be disruptive. In summary, the available evidence is currently insufficient to determine the role of this variant in disease. Therefore, it has been classified as a Variant of Uncertain Significance.

NM_014915.3(ANKRD26):c.3701A>G (p.Lys1234Arg)

Gene: ANKRD26 (ankyrin repeat domain 26; minus strand). Cytogenetic location: 10p12.1.
Variant type: single nucleotide variant.
Coding change: c.3701A>G on transcript NM_014915.3 (MANE Select); coding-DNA position 3701, A replaced by G.
Protein change: p.Lys1234Arg; replaces lysine 1234 with arginine.
Molecular consequence: missense variant.
Genome position (GRCh38, 1-based): chr10:27,033,331, T>C on the plus strand (A>G on the coding strand, the complement: ANKRD26 is on the minus strand). VCF-style: chr10-27033331-T-C. GRCh37 (hg19) VCF-style: chr10-27322260-T-C.
Other names: c.3698A>G, p.Lys1233Arg (NM_001256053.2); short protein forms K1234R, K1233R.
Identifiers: ClinVar variation 3713123 (VCV003713123.3).